The following is an entry in ClinVar:

NM_005591.4(MRE11):c.1727G>T (p.Arg576Leu)

Gene: MRE11 (MRE11 double strand break repair nuclease; minus strand). Cytogenetic location: 11q21.
Variant type: single nucleotide variant.
Coding change: c.1727G>T on transcript NM_005591.4 (MANE Select); coding-DNA position 1727, G replaced by T.
Protein change: p.Arg576Leu; replaces arginine 576 with leucine.
Molecular consequence: missense variant.
Genome position (GRCh38, 1-based): chr11:94,447,275, C>A on the plus strand (G>T on the coding strand, the complement: MRE11 is on the minus strand). VCF-style: chr11-94447275-C-A. GRCh37 (hg19) VCF-style: chr11-94180441-C-A.
Other names: c.1727G>T, p.Arg576Leu (NM_001330347.2, NM_005590.4); short protein forms R576L.
Identifiers: ClinVar variation 3397845 (VCV003397845.1).

ClinVar aggregate classification (germline): Uncertain significance (1 of 4 stars; one submission).

Conditions:
Hereditary cancer-predisposing syndrome. Also called: Hereditary Cancer Syndrome; Tumor predisposition; Hereditary neoplastic syndrome; Neoplastic Syndromes, Hereditary. Identifiers: Orphanet 140162, MedGen C0027672, MeSH D009386, MONDO:0015356.

Submission:

Ambry Genetics
Classification: Uncertain significance for Hereditary cancer-predisposing syndrome. Last evaluated: 2024-08-22. Review status: criteria provided, single submitter. Criteria: Ambry Variant Classification Scheme 2023. Collection method: clinical testing. Allele origin: germline.
Comment: The p.R576L variant (also known as c.1727G>T), located in coding exon 14 of the MRE11A gene, results from a G to T substitution at nucleotide position 1727. The arginine at codon 576 is replaced by leucine, an amino acid with dissimilar properties. This amino acid position is not well conserved in available vertebrate species. In addition, this alteration is predicted to be tolerated by in silico analysis. Based on the available evidence, the clinical significance of this variant remains unclear.